The following is an entry in ClinVar:

NM_014476.6(PDLIM3):c.906-18C>T

Gene: PDLIM3 (PDZ and LIM domain 3; minus strand). Cytogenetic location: 4q35.1.
Variant type: single nucleotide variant.
Coding change: c.906-18C>T on transcript NM_014476.6 (MANE Select); 18 bases into the intron before coding-DNA position 906, C replaced by T.
Molecular consequence: intron variant.
Genome position (GRCh38, 1-based): chr4:185,502,501, G>A on the plus strand (C>T on the coding strand, the complement: PDLIM3 is on the minus strand). VCF-style: chr4-185502501-G-A. GRCh37 (hg19) VCF-style: chr4-186423655-G-A.
Other names: c.405-18C>T (NM_001257963.2); c.642-18C>T (NM_001257962.2); c.762-18C>T (NM_001114107.5).
Identifiers: ClinVar variation 138674 (VCV000138674.10), dbSNP rs12644280, ClinGen allele CA333141.
Genomic context (GRCh38, chr4:185,502,501, plus strand): 5'-CTCAGGGTGCCGGTACTTATCCCGCGCCTTCACCACAGCACCGCTGTTGGGGAAGAAAAC[G>A]AGCTCAAGTTAAAAAACCACAGAGCAAAAATATGAGACAAAGGAGAGAACCCAACAGAGA-3'

ClinVar aggregate classification (germline): Benign. Review status: criteria provided, multiple submitters, no conflicts (2 of 4 stars). 4 submissions from 4 submitters: Benign (4). Last evaluated 2026-02-04.

Conditions:
Hypertrophic cardiomyopathy. Also called: HYPERTROPHIC MYOCARDIOPATHY. Identifiers: Orphanet 217569, MedGen C0007194, MeSH D002312, MONDO:0005045, HP:0001639.
Primary dilated cardiomyopathy (DCM). Also called: Dilated Cardiomyopathy. Identifiers: Orphanet 217604, MedGen C0007193, MeSH D002311, MONDO:0005021, HP:0001644. Inheritance: Various modes of inheritance.

Allele frequency attached by ClinVar (database versions not stated): ESP Exome Variant Server 0.11987; gnomAD 0.12748 and 0.12920; ExAC 0.15631; gnomAD exomes 0.16382 and 0.15882; TOPMed 0.12943; 1000 Genomes Project 30x 0.13695; 1000 Genomes Project 0.13918.
gnomAD v4.1: 258,384 of 1,611,550 alleles (16%); highest among the groups gnomAD compares: East Asian, 27%; 22,274 homozygotes.

Submissions (4):

Labcorp Genetics (formerly Invitae), Labcorp
Classification: Benign for Hypertrophic cardiomyopathy; Primary dilated cardiomyopathy. Last evaluated: 2026-02-04. Review status: criteria provided, single submitter. Criteria: Invitae Variant Classification Sherloc (09022015). Collection method: clinical testing. Allele origin: germline.

Women's Health and Genetics/Laboratory Corporation of America, LabCorp
Classification: Benign. Last evaluated: 2023-04-04. Review status: criteria provided, single submitter. Criteria: LabCorp Variant Classification Summary - May 2015. Collection method: clinical testing. Allele origin: germline.

GeneDx
Classification: Benign. Last evaluated: 2013-11-22. Review status: criteria provided, single submitter. Criteria: GeneDx Variant Classification (06012015). Collection method: clinical testing. Allele origin: germline. Affected: yes.
Comment: This variant is considered likely benign or benign based on one or more of the following criteria: it is a conservative change, it occurs at a poorly conserved position in the protein, it is predicted to be benign by multiple in silico algorithms, and/or has population frequency not consistent with disease.

Breakthrough Genomics
Classification: Benign. Review status: criteria provided, single submitter. Criteria: ACMG Guidelines, 2015. Collection method: not provided. Allele origin: germline. Inheritance: Unknown mechanism. Affected: yes.